The following is an entry in ClinVar:

NM_000516.7(GNAS):c.312+5G>A

Gene: GNAS (GNAS complex locus; plus strand). Cytogenetic location: 20q13.32.
Variant type: single nucleotide variant.
Coding change: c.312+5G>A on transcript NM_000516.7 (MANE Select); 5 bases into the intron after coding-DNA position 312, G replaced by A.
Molecular consequence: intron variant.
Genome position (GRCh38, 1-based): chr20:58,903,590, G>A. VCF-style: chr20-58903590-G-A. GRCh37 (hg19) VCF-style: chr20-57478645-G-A.
Other names: c.312+5G>A (NM_000516.5); c.*218+5G>A (NM_016592.5); c.135+5G>A (NM_001309861.2, NM_001309840.2); c.*173+5G>A (NM_001077490.3); c.2241+5G>A (NM_080425.4); c.315+5G>A (NM_001077488.5); c.270+5G>A (NM_080426.4); c.267+5G>A (NM_001077489.4).
Identifiers: ClinVar variation 1354053 (VCV001354053.12), dbSNP rs2146179050, ClinGen allele CA2573157160.

ClinVar aggregate classification (germline): Pathogenic. Review status: criteria provided, multiple submitters, no conflicts (2 of 4 stars). 3 submissions from 3 submitters: Pathogenic (2). 1 of the submissions does not count toward it. Last evaluated 2026-01-18.

Conditions:
GNAS-related disorder. Identifiers: MedGen CN380105.

Submissions (4):

Dasa
Classification: Pathogenic. Last evaluated: 2026-01-18. Review status: criteria provided, single submitter. Criteria: DASA Assertion Criteria. Collection method: clinical testing. Allele origin: germline.
Comment: NM_000516.7(GNAS):c.312+5G>A is a splice-region variant predicted to affect normal RNA splicing. This variant results in the same amino acid change as a previously established pathogenic variant. De novo occurrence has been reported in an individual with related phenotype. Segregation evidence has been reported in affected families. Functional evidence supports a deleterious effect on the gene or gene product (PMID: 26855372; PMID: 18089698; PMID: 36213284; PMID: 29059381; PMID: 29379892). This variant has been recurrently observed in individuals with related phenotype (PMID: 26855372; PMID: 18089698; PMID: 36213284; PMID: 29059381; PMID: 29379892). Multiple computational predictions support a deleterious effect on the gene or gene product. The variant is present at low frequency in population datasets. Based on the available data, this variant is classified as pathogenic.

Labcorp Genetics (formerly Invitae), Labcorp
Classification: Pathogenic. Last evaluated: 2024-10-26. Review status: criteria provided, single submitter. Criteria: Invitae Variant Classification Sherloc (09022015). Collection method: clinical testing. Allele origin: germline.
Comment: This sequence change falls in intron 4 of the GNAS gene. It does not directly change the encoded amino acid sequence of the GNAS protein. It affects a nucleotide within the consensus splice site. This variant is not present in population databases (gnomAD no frequency). This variant has been observed in individual(s) with clinical features of pseudohypoparathyroidism Ia or pseudopseudohypoparathyroidism (PMID: 18089698, 29059381). In at least one individual the variant was observed to be de novo. It has also been observed to segregate with disease in related individuals. ClinVar contains an entry for this variant (Variation ID: 1354053). Variants that disrupt the consensus splice site are a relatively common cause of aberrant splicing (PMID: 17576681, 9536098). Algorithms developed to predict the effect of sequence changes on RNA splicing suggest that this variant may disrupt the consensus splice site. For these reasons, this variant has been classified as Pathogenic.

PreventionGenetics, part of Exact Sciences
Classification: Pathogenic for GNAS-related condition. Last evaluated: 2023-12-24. Review status: no assertion criteria provided. Collection method: clinical testing. Allele origin: germline. Not counted in ClinVar's aggregate classification.
Comment: The GNAS c.312+5G>A variant is predicted to interfere with splicing. This variant is not present in a large population database. This variant has been reported in many unrelated individuals to be causative for GNAS-related disorders (Lietman et al. 2008. PubMed ID: 18089698; Joseph et al 2011. PubMed ID: 21525160; reported as c.315+5G>A in Fernández-Rebollo et al 2013. PubMed ID: 23533243; Salemi et al 2018. PubMed ID: 29059381). In summary, we categorize the c.312+5G>A variant as pathogenic.

Dr. Peter K. Rogan Lab, Western University
No classification provided (evidence only). Condition: Uterine corpus endometrial carcinoma. Review status: no classification provided. Collection method: in vitro. Allele origin: not applicable. Functional consequence: skipped exon, retained intron. Not counted in ClinVar's aggregate classification.

Literature cited by the submitters: PubMed 26855372 (cited by Dasa); PubMed 18089698 (cited by Dasa and Labcorp Genetics (formerly Invitae), Labcorp); PubMed 36213284 (cited by Dasa); PubMed 29059381 (cited by Dasa and Labcorp Genetics (formerly Invitae), Labcorp); PubMed 29379892 (cited by Dasa); PubMed 27922245 (cited by Dasa); PubMed 17576681 (cited by Labcorp Genetics (formerly Invitae), Labcorp); PubMed 9536098 (cited by Labcorp Genetics (formerly Invitae), Labcorp).